The following is an entry in ClinVar:

NM_005592.4(MUSK):c.647G>A (p.Arg216Gln)

Gene: MUSK (muscle associated receptor tyrosine kinase; plus strand). Cytogenetic location: 9q31.3.
Variant type: single nucleotide variant.
Coding change: c.647G>A on transcript NM_005592.4 (MANE Select); coding-DNA position 647, G replaced by A.
Protein change: p.Arg216Gln; replaces arginine 216 with glutamine.
Molecular consequence: missense variant. On other transcripts: 5 prime UTR variant (1).
Genome position (GRCh38, 1-based): chr9:110,734,269, G>A. VCF-style: chr9-110734269-G-A. GRCh37 (hg19) VCF-style: chr9-113496549-G-A.
Other names: c.677G>A, p.Arg226Gln (NM_001166280.2); c.647G>A, p.Arg216Gln (NM_001166281.2); c.-590G>A (NM_001369398.1); short protein forms R216Q, R226Q.
Identifiers: ClinVar variation 1427240 (VCV001427240.5), dbSNP rs188464904, ClinGen allele CA5184144.
Genomic context (GRCh38, chr9:110,734,269, plus strand): 5'-TTCCTGCAGGAGCGTCACTCACCACTTCTGTCTTCCTAACAGTTTTTGCCAGGATCCTGC[G>A]GGCTCCTGAATCCCACAATGTCACCTTTGGCTCCTTTGTGACCCTGCACTGTACAGCAAC-3'
Protein context (NP_005583.1, residues 206-226): LEVEVFARIL[Arg216Gln]APESHNVTFG

ClinVar aggregate classification (germline): Uncertain significance (1 of 4 stars; one submission).

Conditions:
Fetal akinesia deformation sequence 1 (FADS1). Also called: Pena-Shokeir syndrome type I; Fetal akinesia sequence. Identifiers: Orphanet 994, MedGen C1276035, MONDO:0100101, OMIM 208150, HP:0001989.
Congenital myasthenic syndrome 9. Also called: Myasthenic syndrome, congenital, 9, associated with acetylcholine receptor deficiency. Identifiers: Orphanet 590, MedGen C4225368, MONDO:0014587, OMIM 616325.

Allele frequency attached by ClinVar (database versions not stated): ExAC 0.00004; gnomAD exomes 0.00004; 1000 Genomes Project 30x 0.00016; 1000 Genomes Project 0.00020.
gnomAD v4.1: 44 of 1,612,518 alleles (0.0027%); highest among the groups gnomAD compares: South Asian, 0.0077%; no homozygotes.

Submission:

Labcorp Genetics (formerly Invitae), Labcorp
Classification: Uncertain significance for Congenital myasthenic syndrome 9; Fetal akinesia deformation sequence 1. Last evaluated: 2022-08-09. Review status: criteria provided, single submitter. Criteria: Invitae Variant Classification Sherloc (09022015). Collection method: clinical testing. Allele origin: germline.
Comment: This sequence change replaces arginine, which is basic and polar, with glutamine, which is neutral and polar, at codon 216 of the MUSK protein (p.Arg216Gln). This variant is present in population databases (rs188464904, gnomAD 0.01%). This variant has not been reported in the literature in individuals affected with MUSK-related conditions. ClinVar contains an entry for this variant (Variation ID: 1427240). Advanced modeling of protein sequence and biophysical properties (such as structural, functional, and spatial information, amino acid conservation, physicochemical variation, residue mobility, and thermodynamic stability) performed at Invitae indicates that this missense variant is not expected to disrupt MUSK protein function. Algorithms developed to predict the effect of sequence changes on RNA splicing suggest that this variant may create or strengthen a splice site. In summary, the available evidence is currently insufficient to determine the role of this variant in disease. Therefore, it has been classified as a Variant of Uncertain Significance.